The following is an entry in ClinVar:

NM_004260.4(RECQL4):c.214-3C>T

Gene: RECQL4 (RecQ like helicase 4; minus strand). Cytogenetic location: 8q24.3.
Variant type: single nucleotide variant.
Coding change: c.214-3C>T on transcript NM_004260.4 (MANE Select); 3 bases into the intron before coding-DNA position 214, C replaced by T.
Molecular consequence: intron variant.
Genome position (GRCh38, 1-based): chr8:144,517,193, G>A on the plus strand (C>T on the coding strand, the complement: RECQL4 is on the minus strand). VCF-style: chr8-144517193-G-A. GRCh37 (hg19) VCF-style: chr8-145742577-G-A.
Identifiers: ClinVar variation 1044196 (VCV001044196.5), dbSNP rs367849648, ClinGen allele CA4949423.
Genomic context (GRCh38, chr8:144,517,193, plus strand): 5'-GTGGACTCTTGGTCGCAGCCCGATTCAGATGGGGCCCCCAGCAGCGGGGCTCTGGCGCCT[G>A]CAGGAGACAACAGGGGCACAGGCCAGAAAAGGCTGTTGTGGCGGCAGAAGCGCTCCCAGC-3'

ClinVar aggregate classification (germline): Uncertain significance (1 of 4 stars; one submission).

Conditions:
Baller-Gerold syndrome (BGS). Also called: CRANIOSYNOSTOSIS WITH RADIAL DEFECTS. Identifiers: Orphanet 1225, MedGen C0265308, MONDO:0009039, OMIM 218600.

Allele frequency attached by ClinVar (database versions not stated): TOPMed 0.00001.
gnomAD v4.1: 16 of 1,597,280 alleles (0.001%); highest among the groups gnomAD compares: East Asian, 0.0045%; no homozygotes.

Submission:

Labcorp Genetics (formerly Invitae), Labcorp
Classification: Uncertain significance for Baller-Gerold syndrome. Last evaluated: 2025-11-19. Review status: criteria provided, single submitter. Criteria: Invitae Variant Classification Sherloc (09022015). Collection method: clinical testing. Allele origin: germline.
Comment: This sequence change falls in intron 3 of the RECQL4 gene. It does not directly change the encoded amino acid sequence of the RECQL4 protein. It affects a nucleotide within the consensus splice site. The frequency data for this variant in the population databases is considered unreliable, as metrics indicate poor data quality at this position in the gnomAD database. This variant has not been reported in the literature in individuals affected with RECQL4-related conditions. ClinVar contains an entry for this variant (Variation ID: 1044196). Variants that disrupt the consensus splice site are a relatively common cause of aberrant splicing (PMID: 17576681, 9536098). Algorithms developed to predict the effect of sequence changes on RNA splicing suggest that this variant is not likely to affect RNA splicing. In summary, the available evidence is currently insufficient to determine the role of this variant in disease. Therefore, it has been classified as a Variant of Uncertain Significance.

Literature cited by the submitters: PubMed 17576681; PubMed 9536098.